The following is an entry in ClinVar:

ClinVar aggregate classification (germline): Pathogenic (1 of 4 stars; one submission).

Conditions:
Ellis-van Creveld syndrome (EVC). Also called: Chondroectodermal dysplasia; EVC-Related Ellis-van Creveld Syndrome; EVC2-Related Ellis-van Creveld Syndrome; MESOECTODERMAL DYSPLASIA. Identifiers: Orphanet 289, MedGen C0013903, MONDO:0009162, OMIM 225500.

Submission:

Natera, Inc.
Classification: Pathogenic for Ellis-van Creveld syndrome. Last evaluated: 2025-12-09. Review status: criteria provided, single submitter. Criteria: Natera Variant Classification Schema (03/2026). Collection method: clinical testing. Allele origin: germline.
Comment: The c.2782+2T>C variant in EVC is a canonical splice donor site variant predicted to affect pre-mRNA splicing, which may result in an abnormal transcript and altered protein product. This variant is expected to result in nonsense mediated decay, truncation, or a dysfunctional protein product. This variant is rare in the general population with a frequency below the threshold expected for the associated phenotype(s). Another variant at this same site results in an alteration predicted to cause a similar molecular effect has been observed in individual(s) with the associated phenotype. Given the available evidence, this variant is classified as Pathogenic.

NM_153717.3(EVC):c.2782+2T>C

Gene: EVC (EvC ciliary complex subunit 1; plus strand). Cytogenetic location: 4p16.2.
Variant type: single nucleotide variant.
Coding change: c.2782+2T>C on transcript NM_153717.3 (MANE Select); the canonical splice donor site of the intron after coding-DNA position 2782, T replaced by C.
Molecular consequence: splice donor variant.
Genome position (GRCh38, 1-based): chr4:5,809,613, T>C. VCF-style: chr4-5809613-T-C. GRCh37 (hg19) VCF-style: chr4-5811340-T-C.
Other names: c.2782+2T>C (NM_001306090.2).
Identifiers: ClinVar variation 4816938 (VCV004816938.1).